The following is an entry in ClinVar:

NM_024301.5(FKRP):c.249C>T (p.Ala83=)

Gene: FKRP (fukutin related protein; plus strand). Cytogenetic location: 19q13.32.
Variant type: single nucleotide variant.
Coding change: c.249C>T on transcript NM_024301.5 (MANE Select); coding-DNA position 249, C replaced by T.
Protein change: p.Ala83=; no amino-acid change (alanine 83 retained).
Molecular consequence: synonymous variant.
Genome position (GRCh38, 1-based): chr19:46,755,699, C>T. VCF-style: chr19-46755699-C-T. GRCh37 (hg19) VCF-style: chr19-47258956-C-T.
Other names: p.Ala83=; c.249C>T, p.Ala83= (NM_001039885.3).
Identifiers: ClinVar variation 96107 (VCV000096107.43), dbSNP rs149030303, ClinGen allele CA149246.

ClinVar aggregate classification (germline): Benign/Likely benign. Review status: criteria provided, multiple submitters, no conflicts (2 of 4 stars). 18 submissions from 18 submitters: Benign (12); Likely benign (2). 4 of the submissions do not count toward it. Last evaluated 2026-02-03.

Conditions:
Autosomal recessive limb-girdle muscular dystrophy type 2I. Also called: MUSCULAR DYSTROPHY-DYSTROGLYCANOPATHY (LIMB-GIRDLE), TYPE C, 5; MUSCULAR DYSTROPHY-DYSTROGLYCANOPATHY, LIMB-GIRDLE, FRKP-RELATED; MUSCULAR DYSTROPHY, LIMB-GIRDLE, TYPE 2I. Identifiers: Orphanet 34515, MedGen C1846672, MONDO:0011787, OMIM 607155.
Muscular dystrophy-dystroglycanopathy (congenital with brain and eye anomalies), type A1 (MDDGA1). Also called: COD-MD SYNDROME; Muscular dystrophy-dystroglycanopathy (congenital with brain and eye anomalies), type A, 1; WALKER-WARBURG SYNDROME OR MUSCLE-EYE-BRAIN DISEASE, POMT1-RELATED; Hydrocephalus, agyria and retinal dysplasia; Hard +/- E syndrome; Warburg syndrome. Identifiers: Orphanet 588, Orphanet 899, MedGen C4284790, MONDO:0009364, OMIM 236670.
Muscular dystrophy-dystroglycanopathy (congenital with brain and eye anomalies), type A5. Also called: MUSCULAR DYSTROPHY-DYSTROGLYCANOPATHY (CONGENITAL WITH BRAIN AND EYE ANOMALIES), TYPE A, 5; WALKER-WARBURG SYNDROME OR MUSCLE-EYE-BRAIN DISEASE, FKRP-RELATED. Identifiers: Orphanet 588, Orphanet 899, MedGen C3150413, MONDO:0013157, OMIM 613153.
Muscular dystrophy-dystroglycanopathy type B5 (MDDGB5). Also called: MUSCULAR DYSTROPHY-DYSTROGLYCANOPATHY (CONGENITAL WITH OR WITHOUT IMPAIRED INTELLECTUAL DEVELOPMENT), TYPE B, 5; MUSCULAR DYSTROPHY, CONGENITAL, 1C; MUSCULAR DYSTROPHY, CONGENITAL, FKRP-RELATED. Identifiers: MedGen C1847759, MONDO:0011688, OMIM 606612.
Cardiovascular phenotype. Identifiers: MedGen CN230736.
Walker-Warburg congenital muscular dystrophy. Also called: Muscular dystrophy-dystroglycanopathy, type A; Walker-Warburg syndrome. Identifiers: Orphanet 899, MedGen C0265221, MONDO:0000171.

Allele frequency attached by ClinVar (database versions not stated): 1000 Genomes Project 0.00619; 1000 Genomes Project 30x 0.00640; TOPMed 0.00767; gnomAD 0.00897 and 0.00935; ESP Exome Variant Server 0.00950; gnomAD exomes 0.01072 and 0.01341; ExAC 0.01609.
gnomAD v4.1: 20,432 of 1,582,434 alleles (1.3%); highest among the groups gnomAD compares: Middle Eastern, 2.1%; 174 homozygotes.

Submissions (18):

Labcorp Genetics (formerly Invitae), Labcorp
Classification: Benign for Walker-Warburg congenital muscular dystrophy. Last evaluated: 2026-02-03. Review status: criteria provided, single submitter. Criteria: Invitae Variant Classification Sherloc (09022015). Collection method: clinical testing. Allele origin: germline.

Mayo Clinic Laboratories, Mayo Clinic
Classification: Benign. Last evaluated: 2025-08-27. Review status: criteria provided, single submitter. Criteria: ACMG Guidelines, 2015. Collection method: clinical testing. Allele origin: germline. Observed: 65 variant alleles.
Comment: BS1, BS2, BP4, BP7

Molecular Diagnostic Laboratory for Inherited Cardiovascular Disease, Montreal Heart Institute
Classification: Benign. Last evaluated: 2025-04-09. Review status: criteria provided, single submitter. Criteria: ACMG Guidelines, 2015. Collection method: clinical testing. Allele origin: germline. Affected: no.

Blueprint Genetics
Classification: Likely benign. Last evaluated: 2024-11-28. Review status: criteria provided, single submitter. Criteria: ACMG Guidelines, 2015. Collection method: clinical testing. Allele origin: germline.

ARUP Laboratories, Molecular Genetics and Genomics, ARUP Laboratories
Classification: Benign. Last evaluated: 2023-10-19. Review status: criteria provided, single submitter. Criteria: ARUP Molecular Germline Variant Investigation Process 2024. Collection method: clinical testing. Allele origin: germline.

Women's Health and Genetics/Laboratory Corporation of America, LabCorp
Classification: Benign. Last evaluated: 2023-04-17. Review status: criteria provided, single submitter. Criteria: LabCorp Variant Classification Summary - May 2015. Collection method: clinical testing. Allele origin: germline.

Fulgent Genetics
Classification: Likely benign for Muscular dystrophy-dystroglycanopathy (congenital with brain and eye anomalies), type A1; Muscular dystrophy-dystroglycanopathy type B5; Autosomal recessive limb-girdle muscular dystrophy type 2I; Muscular dystrophy-dystroglycanopathy (congenital with brain and eye anomalies), type A5. Last evaluated: 2021-08-26. Review status: criteria provided, single submitter. Criteria: ACMG Guidelines, 2015. Collection method: clinical testing. Allele origin: unknown.

Ambry Genetics
Classification: Benign for Cardiovascular phenotype. Last evaluated: 2019-01-25. Review status: criteria provided, single submitter. Criteria: Ambry Variant Classification Scheme 2023. Collection method: clinical testing. Allele origin: germline.

GeneDx
Classification: Benign. Last evaluated: 2015-05-12. Review status: criteria provided, single submitter. Criteria: GeneDx Variant Classification (06012015). Collection method: clinical testing. Allele origin: germline. Affected: yes.
Comment: This variant is considered likely benign or benign based on one or more of the following criteria: it is a conservative change, it occurs at a poorly conserved position in the protein, it is predicted to be benign by multiple in silico algorithms, and/or has population frequency not consistent with disease.

Laboratory for Molecular Medicine, Mass General Brigham Personalized Medicine
Classification: Benign. Last evaluated: 2015-01-13. Review status: criteria provided, single submitter. Criteria: LMM Criteria. Collection method: clinical testing. Allele origin: germline. Observed: 1 variant allele.
Comment: p.Ala83Ala in exon 4 of FKRP: This variant is not expected to have clinical sign ificance because it does not alter an amino acid residue and is not located with in the splice consensus sequence. It has been identified in 1.3% (115/8570) of E uropean American chromosomes from a broad population by the NHLBI Exome Sequenci ng Project (dbSNP rs149030303).

Genetic Services Laboratory, University of Chicago
Classification: Benign for AllHighlyPenetrant. Last evaluated: 2013-12-30. Review status: criteria provided, single submitter. Criteria: ACMG Guidelines, 2007. Collection method: clinical testing. Allele origin: germline. Inheritance: Autosomal recessive inheritance.

Eurofins Ntd Llc (ga)
Classification: Benign. Last evaluated: 2012-11-15. Review status: criteria provided, single submitter. Criteria: EGL Classification Definitions 2015. Collection method: clinical testing. Allele origin: germline. Observed: 3 variant alleles, 3 heterozygotes.

Breakthrough Genomics
Classification: Benign. Review status: criteria provided, single submitter. Criteria: ACMG Guidelines, 2015. Collection method: not provided. Allele origin: germline. Inheritance: Autosomal recessive inheritance. Affected: yes.

PreventionGenetics, part of Exact Sciences
Classification: Benign. Review status: criteria provided, single submitter. Criteria: ACMG Guidelines, 2015. Collection method: clinical testing. Allele origin: germline.

Natera, Inc.
Classification: Benign for Limb-girdle muscular dystrophy type 2I. Last evaluated: 2020-09-16. Review status: no assertion criteria provided. Collection method: clinical testing. Allele origin: germline. Not counted in ClinVar's aggregate classification.

Clinical Genetics DNA and cytogenetics Diagnostics Lab, Erasmus MC, Erasmus Medical Center
Classification: Likely benign. Review status: no assertion criteria provided. Collection method: clinical testing. Allele origin: germline. Affected: yes. Study: VKGL Data-share Consensus. Not counted in ClinVar's aggregate classification.

Clinical Genetics, Academic Medical Center
Classification: Benign. Review status: no assertion criteria provided. Collection method: clinical testing. Allele origin: germline. Affected: yes. Study: VKGL Data-share Consensus. Not counted in ClinVar's aggregate classification.

Laboratory of Diagnostic Genome Analysis, Leiden University Medical Center (LUMC)
Classification: Benign. Review status: no assertion criteria provided. Collection method: clinical testing. Allele origin: germline. Affected: yes. Study: VKGL Data-share Consensus. Not counted in ClinVar's aggregate classification.